The following is an entry in ClinVar:

NM_006565.4(CTCF):c.959G>A (p.Arg320His)

Gene: CTCF (CCCTC-binding factor; plus strand). Cytogenetic location: 16q22.1.
Variant type: single nucleotide variant.
Coding change: c.959G>A on transcript NM_006565.4 (MANE Select); coding-DNA position 959, G replaced by A.
Protein change: p.Arg320His; replaces arginine 320 with histidine.
Molecular consequence: missense variant. On other transcripts: 5 prime UTR variant (1).
Genome position (GRCh38, 1-based): chr16:67,616,751, G>A. VCF-style: chr16-67616751-G-A. GRCh37 (hg19) VCF-style: chr16-67650654-G-A.
Other names: c.-26G>A (NM_001191022.2); c.959G>A, p.Arg320His (NM_001363916.2); short protein forms R320H.
Identifiers: ClinVar variation 2443598 (VCV002443598.5), dbSNP rs2142839315, ClinGen allele CA396311718.
Genomic context (GRCh38, chr16:67,616,751, plus strand): 5'-GTCATTAACTGTGCCCTTGATCTTGCTCTTCCTGTTACTCCATCCTTTCTCTAGGTACTC[G>A]TCCTCACAAGTGCCCAGACTGCGACATGGCCTTTGTGACCAGTGGAGAATTGGTTCGGCA-3'
Protein context (NP_006556.1, residues 310-330): RNHLNTHTGT[Arg320His]PHKCPDCDMA

ClinVar aggregate classification (germline): Conflicting classifications of pathogenicity. Review status: criteria provided, conflicting classifications (1 of 4 stars). 3 submissions from 3 submitters: Likely pathogenic (2); Uncertain significance (1). Last evaluated 2025-11-28.

Conditions:
CTCF-related neurodevelopmental disorder. Also called: Intellectual disability-feeding difficulties-developmental delay-microcephaly syndrome; INTELLECTUAL DEVELOPMENTAL DISORDER, AUTOSOMAL DOMINANT 21. Identifiers: Orphanet 363611, MedGen C3809686, MONDO:0014213, OMIM 615502.

Allele frequency attached by ClinVar (database versions not stated): gnomAD exomes below 0.00001.
gnomAD v4.1: 2 of 1,613,938 alleles (0.00012%); highest among the groups gnomAD compares: Non-Finnish European, 0.00017%; no homozygotes.

Submissions (3):

Molecular Genetics Laboratory, Motol Hospital
Classification: Likely pathogenic for CTCF-related neurodevelopmental disorder. Last evaluated: 2025-11-28. Review status: criteria provided, single submitter. Criteria: ACMG Guidelines, 2015. Collection method: clinical testing. Allele origin: germline. Affected: yes. Observed: 1 variant allele.
Comment: A rare variant present in the non-Finnish European population (gnomAD v4.1.0; 2x heterozygous; 2/1179952), dbSNP (rs2142839315) and ClinVar (VCV002443598.2) (PM2, PS4). Rare variants affecting the CTCF gene are associated with autosomal dominant "intellectual developmental disorder-21" (MRD21; MIM:615502; PMID:31239556;PMID:36454652;PMID:28619046;PMID:37102286;NBK:603087) (PP2). Different amino acid change c.958C>G is a known (likely) pathogenic variant (ClinVar Accession: VCV000976764.3) (PM5). Located in the mutation hotspot in the exon 5 of the CTCF gene (PM1). To conclude, the variant c.959G>A is classified as likely pathogenic (PS4, PM2, PM1, PP2, PM5).

Dasa
Classification: Uncertain significance for intellectual disability-feeding difficulties-developmental delay-microcephaly syndrome. Last evaluated: 2025-04-14. Review status: criteria provided, single submitter. Criteria: DASA Assertion Criteria. Collection method: clinical testing. Allele origin: germline.
Comment: NM_006565.4(CTCF):c.959G>A (p.Arg320His) is a missense variant that results in the substitution of arginine with histidine. The affected residue or protein region has prior evidence supporting clinical relevance. Published studies describe this variant in association with related phenotype (PMID: 33619735). Also, this variant is rare in population databases. Computational prediction algorithms are consistent with a benign effect. The currently available literature and clinical evidence are not sufficient to establish a definitive association between this variant and the reported condition. Therefore, this variant is classified as a variant of uncertain significance.

GeneDx
Classification: Likely pathogenic. Last evaluated: 2023-11-07. Review status: criteria provided, single submitter. Criteria: GeneDx Variant Classification Process June 2021. Collection method: clinical testing. Allele origin: germline. Affected: yes.
Comment: Not observed at significant frequency in large population cohorts (gnomAD); In silico analysis supports that this missense variant has a deleterious effect on protein structure/function; Has not been previously published as pathogenic or benign to our knowledge

Literature cited by the submitters: PubMed 31239556 (cited by Molecular Genetics Laboratory, Motol Hospital); PubMed 36454652 (cited by Molecular Genetics Laboratory, Motol Hospital); PubMed 28619046 (cited by Molecular Genetics Laboratory, Motol Hospital); PubMed 37102286 (cited by Molecular Genetics Laboratory, Motol Hospital); PubMed 33619735 (cited by Dasa).